The following is an entry in ClinVar:

ClinVar aggregate classification (germline): Conflicting classifications of pathogenicity. Review status: criteria provided, conflicting classifications (1 of 4 stars). 6 submissions from 6 submitters: Likely pathogenic (3); Uncertain significance (1). 2 of the submissions do not count toward it. Last evaluated 2025-12-11.

Conditions:
Autosomal recessive Alport syndrome (ATS2). Also called: COL4A4 Alport Syndrome and Thin Basement Membrane Nephropathy; Alport syndrome type 2; ALPORT SYNDROME 2, AUTOSOMAL RECESSIVE; COL4A3-Related Nephropathy. Identifiers: Orphanet 63, Orphanet 88919, MedGen C4746745, MONDO:0008762, OMIM 203780.
Hematuria, benign familial, 1 (BFH1). Also called: THIN MEMBRANE NEPHROPATHY. Identifiers: MedGen CN376803, MONDO:0007709, OMIM 141200.
COL4A4-related disorder.
Alport syndrome. Also called: Hemorrhagic familial nephritis; Hemorrhagic hereditary nephritis; Congenital hereditary hematuria. Identifiers: Orphanet 63, MedGen C1567741, MONDO:0018965.
Autosomal dominant Alport syndrome (ATS3A). Also called: Alport syndrome dominant type; Renal failure and sensorineural hearing loss; ALPORT SYNDROME 3A, AUTOSOMAL DOMINANT. Identifiers: Orphanet 63, Orphanet 88918, MedGen C5882663, MONDO:0007086, OMIM 104200.

Submissions (6):

Labcorp Genetics (formerly Invitae), Labcorp
Classification: Uncertain significance. Last evaluated: 2025-12-11. Review status: criteria provided, single submitter. Criteria: Invitae Variant Classification Sherloc (09022015). Collection method: clinical testing. Allele origin: germline.
Comment: This variant, c.1935_1952del, results in the deletion of 6 amino acid(s) of the COL4A4 protein (p.Pro647_Val652del), but otherwise preserves the integrity of the reading frame. This variant is not present in population databases (gnomAD no frequency). This variant has been observed in individual(s) with Alport syndrome and/or COL4A4-related conditions (PMID: 12748344, 36100708, 37097554, 39810285). ClinVar contains an entry for this variant (Variation ID: 551238). Experimental studies and prediction algorithms are not available or were not evaluated, and the functional significance of this variant is currently unknown. This variant disrupts a region of the COL4A4 protein in which other variant(s) (p.Gly651Val) have been observed in individuals with COL4A4-related conditions (PMID: 33838161). This suggests that this is a clinically significant region of the protein, and that variants that disrupt it are likely to be disease-causing. In summary, the available evidence is currently insufficient to determine the role of this variant in disease. Therefore, it has been classified as a Variant of Uncertain Significance.

Blueprint Genetics
Classification: Likely pathogenic for COL4A4-related disorders. Last evaluated: 2024-06-14. Review status: criteria provided, single submitter. Criteria: ACMG Guidelines, 2015. Collection method: clinical testing. Allele origin: germline. Affected: yes. Observed: 1 variant allele.

Fulgent Genetics
Classification: Likely pathogenic for Hematuria, benign familial, 1; Autosomal recessive Alport syndrome. Last evaluated: 2024-06-03. Review status: criteria provided, single submitter. Criteria: ACMG Guidelines, 2015. Collection method: clinical testing. Allele origin: germline.

Natera, Inc.
Classification: Likely pathogenic for Alport syndrome. Last evaluated: 2024-03-25. Review status: criteria provided, single submitter. Criteria: Natera Variant Classification Schema (03/2026). Collection method: clinical testing. Allele origin: germline.
Comment: The c.1935_1952delAGTTCCAGGCCACCCAGG variant in COL4A4 is an in-frame deletion. This variant is rare in the general population with a frequency below the threshold expected for the associated phenotype(s). This variant has been observed in one or more individuals affected with the associated recessive disease, as either homozygous or compound heterozygous with a second variant (PMID: 12748344). Additionally, this variant has been observed to segregate in affected family members (PMID: 12748344). This variant is located in a functionally critical region of the protein. This variant results in a change to the protein length while preserving reading frame, which may disrupt normal protein structure or function. Given the available evidence, this variant is classified as Likely Pathogenic.

Bioscientia Institut fuer Medizinische Diagnostik GmbH, Sonic Healthcare
Classification: Likely pathogenic for Autosomal dominant Alport syndrome. Last evaluated: 2019-10-07. Review status: no assertion criteria provided. Collection method: clinical testing. Allele origin: germline. Affected: yes. Not counted in ClinVar's aggregate classification.

Counsyl
Classification: Likely pathogenic for Autosomal recessive Alport syndrome. Last evaluated: 2017-04-04. Review status: no assertion criteria provided. Collection method: clinical testing. Allele origin: unknown. Not counted in ClinVar's aggregate classification.

Literature cited by the submitters: PubMed 12748344 (cited by 3 submitters); PubMed 36100708 (cited by Labcorp Genetics (formerly Invitae), Labcorp); PubMed 37097554 (cited by Labcorp Genetics (formerly Invitae), Labcorp); PubMed 39810285 (cited by Labcorp Genetics (formerly Invitae), Labcorp); PubMed 33838161 (cited by Labcorp Genetics (formerly Invitae), Labcorp).

NM_000092.5(COL4A4):c.1935_1952del (p.Pro647_Val652del)

Gene: COL4A4 (collagen type IV alpha 4 chain; minus strand). Cytogenetic location: 2q36.3.
Variant type: Deletion.
Coding change: c.1935_1952del on transcript NM_000092.5 (MANE Select); coding-DNA positions 1935 to 1952, 18 bases deleted (AGTTCCAGGCCACCCAGG).
Protein change: p.Pro647_Val652del.
Molecular consequence: inframe deletion.
Genome position (GRCh38, 1-based): chr2:227,077,929-227,077,946, CCTGGGTGGCCTGGAACT deleted on the plus strand (AGTTCCAGGCCACCCAGG on the coding strand, the reverse complement: COL4A4 is on the minus strand); deleting any 18 consecutive bases within chr2:227,077,929-227,077,958 gives the same sequence; the c. name uses the placement nearest the transcript's 3' end. VCF-style (leftmost placement, unchanged base first): chr2-227077928-ACCTGGGTGGCCTGGAACT-A. GRCh37 (hg19) VCF-style: chr2-227942644-ACCTGGGTGGCCTGGAACT-A.
Other names: c.1935_1952delAGTTCCAGGCCACCCAGG (NM_000092.4); c.1935_1952del18 (NM_000092.4).
Identifiers: ClinVar variation 551238 (VCV000551238.9), dbSNP rs1553658892, ClinGen allele CA658821261.